The following is an entry in ClinVar:

ClinVar aggregate classification (germline): Likely benign (1 of 4 stars; one submission).

gnomAD v4.1: 6 of 1,612,596 alleles (0.00037%); highest among the groups gnomAD compares: Middle Eastern, 0.033%; no homozygotes.

Submission:

CeGaT Center for Human Genetics Tuebingen
Classification: Likely benign. Last evaluated: 2025-10-01. Review status: criteria provided, single submitter. Criteria: CeGaT Center For Human Genetics Tuebingen Variant Classification Criteria Version 2. Collection method: clinical testing. Allele origin: germline. Affected: yes. Observed: 1 variant allele.
Comment: TIAM1: BP4, BP7

NM_001353694.2(TIAM1):c.1851C>T (p.Asp617=)

Gene: TIAM1 (TIAM Rac1 associated GEF 1; minus strand). Cytogenetic location: 21q22.11.
Variant type: single nucleotide variant.
Coding change: c.1851C>T on transcript NM_001353694.2 (MANE Select); coding-DNA position 1851, C replaced by T.
Protein change: p.Asp617=; no amino-acid change (aspartic acid 617 retained).
Molecular consequence: synonymous variant.
Genome position (GRCh38, 1-based): chr21:31,223,550, G>A on the plus strand (C>T on the coding strand, the complement: TIAM1 is on the minus strand). VCF-style: chr21-31223550-G-A. GRCh37 (hg19) VCF-style: chr21-32595866-G-A.
Other names: c.1851C>T, p.Asp617= (NM_001353686.2, NM_001353687.2, NM_001353688.1 and 6 more transcripts).
Identifiers: ClinVar variation 4534091 (VCV004534091.6).
Genomic context (GRCh38, chr21:31,223,550, plus strand): 5'-TTTGGGGTTTGGCAGCTCCCCACCCTGAAGGCTGGCTAAATAACAGCGGAAACGAAACAG[G>A]TCCATTTGGAACTGCTCGAGATTTTGCTCCCAGACAAAGATCTATGGTAGTGAAAACACG-3'
Protein context (NP_001340623.1, residues 607-627): WEQNLEQFQM[Asp617=]LFRFRCYLAS